The following is an entry in ClinVar:

NM_001101362.3(KBTBD13):c.769G>A (p.Asp257Asn)

Gene: KBTBD13 (kelch repeat and BTB domain containing 13; plus strand). Cytogenetic location: 15q22.31.
Variant type: single nucleotide variant.
Coding change: c.769G>A on transcript NM_001101362.3 (MANE Select); coding-DNA position 769, G replaced by A.
Protein change: p.Asp257Asn; replaces aspartic acid 257 with asparagine.
Molecular consequence: missense variant.
Genome position (GRCh38, 1-based): chr15:65,077,584, G>A. VCF-style: chr15-65077584-G-A. GRCh37 (hg19) VCF-style: chr15-65369922-G-A.
Other names: short protein forms D257N.
Identifiers: ClinVar variation 464361 (VCV000464361.8), dbSNP rs568675071, ClinGen allele CA392863113.

ClinVar aggregate classification (germline): Uncertain significance (1 of 4 stars; one submission).

Conditions:
Nemaline myopathy 6 (NEM6). Also called: Nemaline myopathy 6, autosomal dominant. Identifiers: Orphanet 171439, MedGen C1836472, MONDO:0012237, OMIM 609273.

Submission:

Labcorp Genetics (formerly Invitae), Labcorp
Classification: Uncertain significance for Nemaline myopathy 6. Last evaluated: 2023-05-22. Review status: criteria provided, single submitter. Criteria: Invitae Variant Classification Sherloc (09022015). Collection method: clinical testing. Allele origin: germline.
Comment: In summary, the available evidence is currently insufficient to determine the role of this variant in disease. Therefore, it has been classified as a Variant of Uncertain Significance. Advanced modeling of protein sequence and biophysical properties (such as structural, functional, and spatial information, amino acid conservation, physicochemical variation, residue mobility, and thermodynamic stability) performed at Invitae indicates that this missense variant is not expected to disrupt KBTBD13 protein function. ClinVar contains an entry for this variant (Variation ID: 464361). This variant has not been reported in the literature in individuals affected with KBTBD13-related conditions. This variant is not present in population databases (gnomAD no frequency). This sequence change replaces aspartic acid, which is acidic and polar, with asparagine, which is neutral and polar, at codon 257 of the KBTBD13 protein (p.Asp257Asn).